The following is an entry in ClinVar:

NM_001161352.2(KCNMA1):c.1862T>A (p.Leu621Gln)

Gene: KCNMA1 (potassium calcium-activated channel subfamily M alpha 1; minus strand). Cytogenetic location: 10q22.3.
Variant type: single nucleotide variant.
Coding change: c.1862T>A on transcript NM_001161352.2 (MANE Select); coding-DNA position 1862, T replaced by A.
Protein change: p.Leu621Gln; replaces leucine 621 with glutamine.
Molecular consequence: missense variant.
Genome position (GRCh38, 1-based): chr10:77,027,889, A>T on the plus strand (T>A on the coding strand, the complement: KCNMA1 is on the minus strand). VCF-style: chr10-77027889-A-T. GRCh37 (hg19) VCF-style: chr10-78787647-A-T.
Other names: c.1862T>A, p.Leu621Gln (NM_001014797.3, NM_001161353.2, NM_001271519.2 and 9 more transcripts); c.1700T>A, p.Leu567Gln (NM_001271518.2); c.1322T>A, p.Leu441Gln (NM_001322838.2); c.1994T>A, p.Leu665Gln (NM_001437422.1); short protein forms L441Q, L567Q, L621Q, L665Q.
Identifiers: ClinVar variation 4819166 (VCV004819166.1).

ClinVar aggregate classification (germline): Uncertain significance (1 of 4 stars; one submission).

Conditions:
Liang-Wang syndrome. Identifiers: Orphanet 664438, MedGen C5231479, MONDO:0032886, OMIM 618729.

Submission:

Institute of Human Genetics, University of Leipzig Medical Center
Classification: Uncertain significance for Liang-Wang syndrome. Last evaluated: 2026-02-16. Review status: criteria provided, single submitter. Criteria: ACMG Guidelines, 2015. Collection method: clinical testing. Allele origin: unknown. Inheritance: Autosomal dominant inheritance. Affected: yes.
Comment: Criteria applied: PM2,PP2,PP3